The following is an entry in ClinVar:

ClinVar aggregate classification (germline): Pathogenic. Review status: criteria provided, multiple submitters, no conflicts (2 of 4 stars). 17 submissions from 17 submitters: Pathogenic (13). 4 of the submissions do not count toward it. Last evaluated 2026-02-10.

Conditions:
ZMYND10-related disorder. Also called: ZMYND10-related condition.
Primary ciliary dyskinesia 22. Also called: CILIARY DYSKINESIA, PRIMARY, 22, WITH OR WITHOUT SITUS INVERSUS. Identifiers: Orphanet 244, MedGen C3809543, MONDO:0014192, OMIM 615444.
Primary ciliary dyskinesia. Also called: Ciliary dyskinesia. Identifiers: Orphanet 244, MedGen C0008780, MONDO:0016575, HP:0012265.
Kartagener syndrome (CILD1). Also called: SIEWERT SYNDROME; POLYNESIAN BRONCHIECTASIS; IMMOTILE CILIA SYNDROME; Dextrocardia bronchiectasis and sinusitis; CILIARY DYSKINESIA, PRIMARY, 1; CILIARY DYSKINESIA, PRIMARY, 1, WITH OR WITHOUT SITUS INVERSUS. Identifiers: Orphanet 244, MedGen C4551906, MONDO:0009484, OMIM 244400.

Allele frequency attached by ClinVar (database versions not stated): TOPMed 0.00024; gnomAD exomes 0.00027; ExAC 0.00049; ESP Exome Variant Server 0.00054; gnomAD 0.00019 and 0.00021.
gnomAD v4.1: 413 of 1,609,790 alleles (0.026%); highest among the groups gnomAD compares: Non-Finnish European, 0.033%; 1 homozygote.

Submissions (17):

Clinical Genetics and Genomics, Karolinska University Hospital
Classification: Pathogenic for Primary ciliary dyskinesia 22. Last evaluated: 2026-02-10. Review status: criteria provided, single submitter. Criteria: ACMG Guidelines, 2015. Collection method: clinical testing. Allele origin: germline. Inheritance: Autosomal recessive inheritance. Affected: yes.

Dasa
Classification: Pathogenic. Last evaluated: 2026-01-26. Review status: criteria provided, single submitter. Criteria: DASA Assertion Criteria. Collection method: clinical testing. Allele origin: germline.
Comment: NM_015896.4(ZMYND10):c.47T>G (p.Val16Gly) is a missense variant that results in the substitution of valine with glycine. Segregation evidence has been reported in affected families. This variant has been observed in affected individuals with related phenotype in a genotype context consistent with recessive disease (PMID: 39180133; PMID: 38871375; PMID: 37860582; PMID: 33479112; PMID: 33635866). Functional evidence supports a deleterious effect on the gene or gene product (PMID: 39180133; PMID: 38871375; PMID: 37860582; PMID: 33479112; PMID: 33635866). This variant has been recurrently observed in individuals with related phenotype (PMID: 39180133; PMID: 38871375; PMID: 37860582; PMID: 33479112; PMID: 33635866). The variant is present at low frequency in population datasets. Based on the available data, this variant is classified as pathogenic.

3billion
Classification: Pathogenic for Primary ciliary dyskinesia 22. Last evaluated: 2025-11-30. Review status: criteria provided, single submitter. Criteria: ACMG Guidelines, 2015. Collection method: clinical testing. Allele origin: germline. Affected: yes.
Comment: The variant is observed at an extremely low frequency in the gnomAD v4.1.0 dataset (total allele frequency: 0.026%). Predicted Consequence/Location: Missense variant. The majority of the known disease-causing variants of this gene are variants expected to result in premature termination of the protein. The same nucleotide change resulting in the same amino acid change has been previously reported as pathogenic/likely pathogenic with strong evidence (ClinVar ID: VCV000066021 /PMID: 23891469). Therefore, this variant is classified as Pathogenic according to the recommendation of ACMG/AMP guideline.

Labcorp Genetics (formerly Invitae), Labcorp
Classification: Pathogenic for Primary ciliary dyskinesia. Last evaluated: 2025-11-23. Review status: criteria provided, single submitter. Criteria: Invitae Variant Classification Sherloc (09022015). Collection method: clinical testing. Allele origin: germline.
Comment: This sequence change replaces valine, which is neutral and non-polar, with glycine, which is neutral and non-polar, at codon 16 of the ZMYND10 protein (p.Val16Gly). This variant is present in population databases (rs138815960, gnomAD 0.05%). This missense change has been observed in individual(s) with primary ciliary dyskinesia (PMID: 23891469, 23891471). In at least one individual the data is consistent with being in trans (on the opposite chromosome) from a pathogenic variant. It has also been observed to segregate with disease in related individuals. ClinVar contains an entry for this variant (Variation ID: 66021). Invitae Evidence Modeling of protein sequence and biophysical properties (such as structural, functional, and spatial information, amino acid conservation, physicochemical variation, residue mobility, and thermodynamic stability) indicates that this missense variant is expected to disrupt ZMYND10 protein function with a positive predictive value of 80%. Experimental studies have shown that this missense change affects ZMYND10 function (PMID: 23891471). For these reasons, this variant has been classified as Pathogenic.

First Genomix Gene Laboratory, Genetic Diagnostics Department
Classification: Pathogenic for Primary ciliary dyskinesia 22. Last evaluated: 2025-08-06. Review status: criteria provided, single submitter. Criteria: ACMG Guidelines, 2015. Collection method: clinical testing. Allele origin: germline. Inheritance: Autosomal recessive inheritance. Affected: no. Observed: 1 variant allele.

Blueprint Genetics
Classification: Pathogenic for ZMYND10-related disorders. Last evaluated: 2024-07-09. Review status: criteria provided, single submitter. Criteria: ACMG Guidelines, 2015. Collection method: clinical testing. Allele origin: germline. Affected: yes. Observed: 5 variant alleles.

Institute Of Molecular Biology And Genetics, Federal Almazov National Medical Research Centre
Classification: Pathogenic for Primary ciliary dyskinesia. Last evaluated: 2023-12-11. Review status: criteria provided, single submitter. Criteria: ACMG Guidelines, 2015. Collection method: clinical testing. Allele origin: germline. Affected: yes. Observed: 1 variant allele.
Comment: ACMG: PP5, PM2, PM3. The variant has multiple records in ClinVar with pathogenic interpretation (Variation ID: 66021)

Clinical Genetics Laboratory, Skane University Hospital Lund
Classification: Pathogenic. Last evaluated: 2023-06-20. Review status: criteria provided, single submitter. Criteria: ACMG Guidelines, 2015. Collection method: clinical testing. Allele origin: germline. Affected: yes.

Johns Hopkins Genomics, Johns Hopkins University
Classification: Pathogenic for Primary ciliary dyskinesia 22. Last evaluated: 2023-04-07. Review status: criteria provided, single submitter. Criteria: ACMG Guidelines, 2015. Collection method: clinical testing. Allele origin: germline.
Comment: This ZMYND10 missense variant has been reported to occur in the homozygous or compound heterozygous state in unrelated individuals and families with primary ciliary dyskinesia. This variant (rs138815960) is rare (<0.1%) in a large population dataset (gnomAD v2.1.1: 67/272444 total alleles; 0.025%; no homozygotes), and has been reported in ClinVar6 (Variation ID 66021). Two bioinformatic tools queried predict that this substitution would be damaging, and the valine residue at this position is evolutionarily conserved across many of the species assessed. We consider c.47T>G;p.Val16Gly in ZMYND10 to be pathogenic.

Department of Human Genetics, Hannover Medical School
Classification: Pathogenic for Primary ciliary dyskinesia 22. Last evaluated: 2022-10-10. Review status: criteria provided, single submitter. Criteria: ACMG Guidelines, 2015. Collection method: clinical testing. Allele origin: germline. Inheritance: Autosomal recessive inheritance. Affected: yes.

Revvity Omics, Revvity
Classification: Pathogenic for Primary ciliary dyskinesia 22. Last evaluated: 2019-06-25. Review status: criteria provided, single submitter. Criteria: ACMG Guidelines, 2015. Collection method: clinical testing. Allele origin: germline.

Knight Diagnostic Laboratories, Oregon Health and Sciences University
Classification: Pathogenic. Last evaluated: 2019-03-21. Review status: criteria provided, single submitter. Criteria: ACMG Guidelines, 2015. Collection method: clinical testing. Allele origin: germline. Observed: 1 variant allele.

CeGaT Center for Human Genetics Tuebingen
Classification: Pathogenic. Last evaluated: 2018-07-01. Review status: criteria provided, single submitter. Criteria: CeGaT Center For Human Genetics Tuebingen Variant Classification Criteria Version 2. Collection method: clinical testing. Allele origin: germline. Affected: yes. Observed: 1 variant allele.

PreventionGenetics, part of Exact Sciences
Classification: Pathogenic for ZMYND10-related condition. Last evaluated: 2024-06-19. Review status: no assertion criteria provided. Collection method: clinical testing. Allele origin: germline. Not counted in ClinVar's aggregate classification.
Comment: The ZMYND10 c.47T>G variant is predicted to result in the amino acid substitution p.Val16Gly. This variant has been reported in the homozygous and compound heterozygous state in multiple unrelated individuals with primary ciliary dyskinesia with or without situs inversus (Moore et al. 2013. PubMed ID: 23891471; Zariwala et al. 2013. PubMed ID: 23891469). This variant is reported in 0.048% of alleles in individuals of European (Non-Finnish) descent in gnomAD. This variant is interpreted as pathogenic.

Zotz-Klimas Genetics Lab, MVZ Zotz Klimas
Classification: Pathogenic for Primary ciliary dyskinesia 22. Last evaluated: 2023-10-09. Review status: no assertion criteria provided. Collection method: clinical testing. Allele origin: germline. Affected: yes. Not counted in ClinVar's aggregate classification.

OMIM
Classification: Pathogenic for CILIARY DYSKINESIA, PRIMARY, 22. Last evaluated: 2013-08-08. Review status: no assertion criteria provided. Collection method: literature only. Allele origin: germline. Not counted in ClinVar's aggregate classification.

GeneReviews
No classification provided. Condition: Kartagener syndrome. Review status: no classification provided. Collection method: literature only. Allele origin: germline. Affected: yes. Not counted in ClinVar's aggregate classification.

Literature cited by the submitters: PubMed 39180133 (cited by Dasa); PubMed 38871375 (cited by Dasa); PubMed 37860582 (cited by Dasa); PubMed 33479112 (cited by Dasa); PubMed 33635866 (cited by Dasa and Johns Hopkins Genomics, Johns Hopkins University); PubMed 23891471 (cited by 6 submitters); PubMed 23891469 (cited by 5 submitters); PubMed 26139845 (cited by Institute Of Molecular Biology And Genetics, Federal Almazov National Medical Research Centre and Johns Hopkins Genomics, Johns Hopkins University); NCBI Bookshelf NBK1122 (cited by GeneReviews).

NM_015896.4(ZMYND10):c.47T>G (p.Val16Gly)

Gene: ZMYND10 (zinc finger MYND-type containing 10; minus strand). Cytogenetic location: 3p21.31.
Variant type: single nucleotide variant.
Coding change: c.47T>G on transcript NM_015896.4 (MANE Select); coding-DNA position 47, T replaced by G.
Protein change: p.Val16Gly; replaces valine 16 with glycine.
Molecular consequence: missense variant.
Genome position (GRCh38, 1-based): chr3:50,345,533, A>C on the plus strand (T>G on the coding strand, the complement: ZMYND10 is on the minus strand). VCF-style: chr3-50345533-A-C. GRCh37 (hg19) VCF-style: chr3-50382964-A-C.
Other names: ZMYND10, VAL16GLY (rs138815960); c.47T>G, p.Val16Gly (NM_001308379.2); c.47T>G (NM_015896.3); short protein forms V16G.
Identifiers: ClinVar variation 66021 (VCV000066021.60), dbSNP rs138815960, ClinGen allele CA214439.